The following is an entry in ClinVar:

ClinVar aggregate classification (germline): Uncertain significance (1 of 4 stars; one submission).

gnomAD v4.1: 2 of 1,611,756 alleles (0.00012%); highest among the groups gnomAD compares: Middle Eastern, 0.016%; no homozygotes.

Submission:

Labcorp Genetics (formerly Invitae), Labcorp
Classification: Uncertain significance. Last evaluated: 2025-03-17. Review status: criteria provided, single submitter. Criteria: Invitae Variant Classification Sherloc (09022015). Collection method: clinical testing. Allele origin: germline.
Comment: This sequence change replaces alanine, which is neutral and non-polar, with proline, which is neutral and non-polar, at codon 592 of the RGS9 protein (p.Ala592Pro). This variant is not present in population databases (gnomAD no frequency). This variant has not been reported in the literature in individuals affected with RGS9-related conditions. ClinVar contains an entry for this variant (Variation ID: 1489755). An algorithm developed to predict the effect of missense changes on protein structure and function (PolyPhen-2) suggests that this variant is likely to be tolerated. In summary, the available evidence is currently insufficient to determine the role of this variant in disease. Therefore, it has been classified as a Variant of Uncertain Significance.

NM_003835.4(RGS9):c.1774G>C (p.Ala592Pro)

Gene: RGS9 (regulator of G protein signaling 9; plus strand). Cytogenetic location: 17q24.1.
Variant type: single nucleotide variant.
Coding change: c.1774G>C on transcript NM_003835.4 (MANE Select); coding-DNA position 1774, G replaced by C.
Protein change: p.Ala592Pro; replaces alanine 592 with proline.
Molecular consequence: missense variant.
Genome position (GRCh38, 1-based): chr17:65,225,368, G>C. VCF-style: chr17-65225368-G-C. GRCh37 (hg19) VCF-style: chr17-63221486-G-C.
Other names: c.1765G>C, p.Ala589Pro (NM_001081955.3); short protein forms A589P, A592P.
Identifiers: ClinVar variation 1489755 (VCV001489755.6), dbSNP rs200037151, ClinGen allele CA293084398.